The following is an entry in ClinVar:

ClinVar aggregate classification (germline): Likely benign. Review status: criteria provided, single submitter (1 of 4 stars). 2 submissions from 2 submitters: Likely benign (1). 1 of the submissions does not count toward it. Last evaluated 2025-10-18.

Conditions:
LRBA-related disorder. Also called: LRBA-related condition.
Combined immunodeficiency due to LRBA deficiency. Also called: Common variable immunodeficiency 8, with autoimmunity. Identifiers: Orphanet 445018, MedGen C3553512, MONDO:0013863, OMIM 614700.

Allele frequency attached by ClinVar (database versions not stated): TOPMed 0.00002.
gnomAD v4.1: 23 of 1,604,494 alleles (0.0014%); highest among the groups gnomAD compares: East Asian, 0.011%; no homozygotes.

Submissions (2):

Labcorp Genetics (formerly Invitae), Labcorp
Classification: Likely benign for Combined immunodeficiency due to LRBA deficiency. Last evaluated: 2025-10-18. Review status: criteria provided, single submitter. Criteria: Invitae Variant Classification Sherloc (09022015). Collection method: clinical testing. Allele origin: germline.

PreventionGenetics, part of Exact Sciences
Classification: Likely benign for LRBA-related condition. Last evaluated: 2019-08-14. Review status: no assertion criteria provided. Collection method: clinical testing. Allele origin: germline. Not counted in ClinVar's aggregate classification.
Comment: This variant is classified as likely benign based on ACMG/AMP sequence variant interpretation guidelines (Richards et al. 2015 PMID: 25741868, with internal and published modifications).

NM_001364905.1(LRBA):c.4323G>A (p.Arg1441=)

Gene: LRBA (LPS responsive beige-like anchor protein; minus strand). Cytogenetic location: 4q31.3.
Variant type: single nucleotide variant.
Coding change: c.4323G>A on transcript NM_001364905.1 (MANE Select); coding-DNA position 4323, G replaced by A.
Protein change: p.Arg1441=; no amino-acid change (arginine 1441 retained).
Molecular consequence: synonymous variant.
Genome position (GRCh38, 1-based): chr4:150,848,834, C>T on the plus strand (G>A on the coding strand, the complement: LRBA is on the minus strand). VCF-style: chr4-150848834-C-T. GRCh37 (hg19) VCF-style: chr4-151769986-C-T.
Other names: c.4323G>A, p.Arg1441= (NM_001199282.3, NM_001367550.1, NM_006726.5).
Identifiers: ClinVar variation 540413 (VCV000540413.12), dbSNP rs145003932, ClinGen allele CA3102835.